The following is an entry in ClinVar:

ClinVar aggregate classification (germline): Likely pathogenic. Review status: criteria provided, single submitter (1 of 4 stars). 3 submissions from 3 submitters: Likely pathogenic (1). 2 of the submissions do not count toward it. Last evaluated 2026-06-01.

Conditions:
FG syndrome 1 (OKS). Also called: OPITZ-KAVEGGIA SYNDROME; KELLER SYNDROME; MENTAL RETARDATION, LARGE HEAD, IMPERFORATE ANUS, CONGENITAL HYPOTONIA, AND PARTIAL AGENESIS OF CORPUS CALLOSUM; FG Syndrome Type 1 (FGS1). Identifiers: Orphanet 93932, MedGen C5399762, MONDO:0010590, OMIM 305450.
Blepharophimosis - intellectual disability syndrome, MKB type. Also called: X-Linked Ohdo Syndrome (XLOS); Ohdo syndrome, X-linked; BLEPHAROPHIMOSIS-MENTAL RETARDATION SYNDROME, MAAT-KIEVIT-BRUNNER TYPE. Identifiers: Orphanet 293707, MedGen C3698541, MONDO:0010477, OMIM 300895.
Cholestasis-pigmentary retinopathy-cleft palate syndrome (HDKR). Also called: Hardikar Syndrome (HS). Identifiers: Orphanet 1415, MedGen C0795969, MeSH C535632, MONDO:0012997, OMIM 301068.

Submissions (3):

Clinical Genetics Laboratory, Skane University Hospital Lund
Classification: Likely pathogenic for Cholestasis-pigmentary retinopathy-cleft palate syndrome. Last evaluated: 2026-06-01. Review status: criteria provided, single submitter. Criteria: ACMG Guidelines, 2015. Collection method: clinical testing. Allele origin: germline. Inheritance: X-linked dominant inheritance. Affected: yes.
Comment: ACMG criteria: PS2_Moderate, PS4_Supporting, PM2 and PP3.

Solve-RD Consortium
Classification: Likely pathogenic for Blepharophimosis - intellectual disability syndrome, MKB type. Last evaluated: 2022-06-01. Review status: no assertion criteria provided. Collection method: provider interpretation. Allele origin: inherited. Affected: yes. Not counted in ClinVar's aggregate classification.
Comment: Variant confirmed as disease-causing by referring clinical team

Variant identified during reanalysis of unsolved cases by the Solve-RD project. The Solve-RD project has received funding from the European Union’s Horizon 2020 research and innovation programme under grant agreement No 779257.

GeneReviews
No classification provided. Condition: FG syndrome. Review status: no classification provided. Collection method: literature only. Allele origin: germline. Not counted in ClinVar's aggregate classification.

Literature cited by the submitters: PubMed 39825153 (cited by Solve-RD Consortium); PubMed 34079076 (cited by GeneReviews); PubMed 20301719 (cited by GeneReviews).

NM_005120.3(MED12):c.2669T>A (p.Ile890Asn)

Gene: MED12 (mediator complex subunit 12; plus strand). Cytogenetic location: Xq13.1.
Variant type: single nucleotide variant.
Coding change: c.2669T>A on transcript NM_005120.3 (MANE Select); coding-DNA position 2669, T replaced by A.
Protein change: p.Ile890Asn; replaces isoleucine 890 with asparagine.
Molecular consequence: missense variant.
Genome position (GRCh38, 1-based): chrX:71,126,468, T>A. VCF-style: chrX-71126468-T-A. GRCh37 (hg19) VCF-style: chrX-70346318-T-A.
Other names: short protein forms I890N.
Identifiers: ClinVar variation 1210236 (VCV001210236.4), dbSNP rs2147796647, ClinGen allele CA413515970.